The following is an entry in ClinVar:

NM_000393.5(COL5A2):c.281C>T (p.Pro94Leu)

Gene: COL5A2 (collagen type V alpha 2 chain; minus strand). Cytogenetic location: 2q32.2.
Variant type: single nucleotide variant.
Coding change: c.281C>T on transcript NM_000393.5 (MANE Select); coding-DNA position 281, C replaced by T.
Protein change: p.Pro94Leu; replaces proline 94 with leucine.
Molecular consequence: missense variant.
Genome position (GRCh38, 1-based): chr2:189,110,266, G>A on the plus strand (C>T on the coding strand, the complement: COL5A2 is on the minus strand). VCF-style: chr2-189110266-G-A. GRCh37 (hg19) VCF-style: chr2-189974992-G-A.
Other names: short protein forms P94L.
Identifiers: ClinVar variation 2828346 (VCV002828346.3), dbSNP rs1687233615, ClinGen allele CA349867508.
Genomic context (GRCh38, chr2:189,110,266, plus strand): 5'-TGGCCCTAAACATTCTTACCAAAATTGGTATTGCCACCTCCAGGTGTTTGTGAACAGACA[G>A]GACAGCATTCCCCAGGGGGCGTTACAGGGTCGGCACAGTCCAGCACATCCTGGCATTCTA-3'
Protein context (NP_000384.2, residues 84-104): DPVTPPGECC[Pro94Leu]VCSQTPGGGN

ClinVar aggregate classification (germline): Uncertain significance (1 of 4 stars; one submission).

Conditions:
Ehlers-Danlos syndrome, classic type, 1 (EDSCL1). Also called: EHLERS-DANLOS SYNDROME, GRAVIS TYPE; EHLERS-DANLOS SYNDROME, SEVERE CLASSIC TYPE; Ehlers-Danlos syndrome, type 1; Ehlers-Danlos Syndrome, Classic Type, COL5A1-Related; EDS I. Identifiers: MedGen C0268335, MONDO:0019567, OMIM 130000.

Submission:

Labcorp Genetics (formerly Invitae), Labcorp
Classification: Uncertain significance for Ehlers-Danlos syndrome, classic type, 1. Last evaluated: 2023-01-14. Review status: criteria provided, single submitter. Criteria: Invitae Variant Classification Sherloc (09022015). Collection method: clinical testing. Allele origin: germline.
Comment: This sequence change replaces proline, which is neutral and non-polar, with leucine, which is neutral and non-polar, at codon 94 of the COL5A2 protein (p.Pro94Leu). In summary, the available evidence is currently insufficient to determine the role of this variant in disease. Therefore, it has been classified as a Variant of Uncertain Significance. Advanced modeling of protein sequence and biophysical properties (such as structural, functional, and spatial information, amino acid conservation, physicochemical variation, residue mobility, and thermodynamic stability) performed at Invitae indicates that this missense variant is not expected to disrupt COL5A2 protein function. This variant has not been reported in the literature in individuals affected with COL5A2-related conditions. This variant is not present in population databases (gnomAD no frequency).